The following is an entry in ClinVar:

NM_003737.4(DCHS1):c.9881C>T (p.Thr3294Met)

Gene: DCHS1 (dachsous cadherin-related 1; minus strand). Cytogenetic location: 11p15.4.
Variant type: single nucleotide variant.
Coding change: c.9881C>T on transcript NM_003737.4 (MANE Select); coding-DNA position 9881, C replaced by T.
Protein change: p.Thr3294Met; replaces threonine 3294 with methionine.
Molecular consequence: missense variant.
Genome position (GRCh38, 1-based): chr11:6,621,795, G>A on the plus strand (C>T on the coding strand, the complement: DCHS1 is on the minus strand). VCF-style: chr11-6621795-G-A. GRCh37 (hg19) VCF-style: chr11-6643026-G-A.
Other names: c.9881C>T (NM_003737.2); short protein forms T3294M.
Identifiers: ClinVar variation 1991233 (VCV001991233.5), dbSNP rs761356492, ClinGen allele CA5859158.

ClinVar aggregate classification (germline): Uncertain significance. Review status: criteria provided, multiple submitters, no conflicts (2 of 4 stars). 2 submissions from 2 submitters: Uncertain significance (2). Last evaluated 2025-11-13.

Conditions:
Inborn genetic diseases. Identifiers: MedGen C0950123, MeSH D030342.

Allele frequency attached by ClinVar (database versions not stated): gnomAD 0.00006; ExAC 0.00015.
gnomAD v4.1: 189 of 1,590,856 alleles (0.012%); highest among the groups gnomAD compares: Non-Finnish European, 0.015%; no homozygotes.

Submissions (2):

Ambry Genetics
Classification: Uncertain significance for Inborn genetic diseases. Last evaluated: 2025-11-13. Review status: criteria provided, single submitter. Criteria: Ambry Variant Classification Scheme 2023. Collection method: clinical testing. Allele origin: germline.

Labcorp Genetics (formerly Invitae), Labcorp
Classification: Uncertain significance. Last evaluated: 2025-06-15. Review status: criteria provided, single submitter. Criteria: Invitae Variant Classification Sherloc (09022015). Collection method: clinical testing. Allele origin: germline.
Comment: This sequence change replaces threonine, which is neutral and polar, with methionine, which is neutral and non-polar, at codon 3294 of the DCHS1 protein (p.Thr3294Met). This variant is present in population databases (rs761356492, gnomAD 0.01%). This variant has not been reported in the literature in individuals affected with DCHS1-related conditions. ClinVar contains an entry for this variant (Variation ID: 1991233). Invitae Evidence Modeling of protein sequence and biophysical properties (such as structural, functional, and spatial information, amino acid conservation, physicochemical variation, residue mobility, and thermodynamic stability) indicates that this missense variant is not expected to disrupt DCHS1 protein function with a negative predictive value of 95%. In summary, the available evidence is currently insufficient to determine the role of this variant in disease. Therefore, it has been classified as a Variant of Uncertain Significance.